The following is an entry in ClinVar:

NM_001166114.2(PNPLA6):c.1913G>A (p.Trp638Ter)

Gene: PNPLA6 (patatin like domain 6, lysophospholipase; plus strand). Cytogenetic location: 19p13.2.
Variant type: single nucleotide variant.
Coding change: c.1913G>A on transcript NM_001166114.2 (MANE Select); coding-DNA position 1913, G replaced by A.
Protein change: p.Trp638Ter; replaces tryptophan 638 with a stop codon.
Molecular consequence: nonsense.
Genome position (GRCh38, 1-based): chr19:7,550,396, G>A. VCF-style: chr19-7550396-G-A. GRCh37 (hg19) VCF-style: chr19-7615282-G-A.
Other names: c.1940G>A, p.Trp647Ter (NM_001166111.2); c.1718G>A, p.Trp573Ter (NM_001166112.2); c.1796G>A, p.Trp599Ter (NM_001166113.1, NM_006702.5); short protein forms W647*, W573*, W599*, W638*.
Identifiers: ClinVar variation 2861273 (VCV002861273.3), dbSNP rs1316404038, ClinGen allele CA403122751.

ClinVar aggregate classification (germline): Pathogenic (1 of 4 stars; one submission).

Conditions:
Hereditary spastic paraplegia 39 (SPG39). Also called: Spastic Paraplegia Type 39 (SPG39); SPASTIC PARAPLEGIA 39, AUTOSOMAL RECESSIVE. Identifiers: Orphanet 139480, MedGen C2677586, MONDO:0012787, OMIM 612020.

Allele frequency attached by ClinVar (database versions not stated): gnomAD exomes below 0.00001; TOPMed 0.00001.

Submission:

Labcorp Genetics (formerly Invitae), Labcorp
Classification: Pathogenic for Hereditary spastic paraplegia 39. Last evaluated: 2023-05-01. Review status: criteria provided, single submitter. Criteria: Invitae Variant Classification Sherloc (09022015). Collection method: clinical testing. Allele origin: germline.
Comment: This sequence change creates a premature translational stop signal (p.Trp599*) in the PNPLA6 gene. It is expected to result in an absent or disrupted protein product. Loss-of-function variants in PNPLA6 are known to be pathogenic (PMID: 24355708). This variant is not present in population databases (gnomAD no frequency). This variant has not been reported in the literature in individuals affected with PNPLA6-related conditions. For these reasons, this variant has been classified as Pathogenic.

Literature cited by the submitters: PubMed 24355708.